The following is an entry in ClinVar:

NM_000059.4(BRCA2):c.1139G>A (p.Ser380Asn)

Gene: BRCA2 (BRCA2 DNA repair associated; plus strand). Cytogenetic location: 13q13.1.
Variant type: single nucleotide variant.
Coding change: c.1139G>A on transcript NM_000059.4 (MANE Select); coding-DNA position 1139, G replaced by A.
Protein change: p.Ser380Asn; replaces serine 380 with asparagine.
Molecular consequence: missense variant.
Genome position (GRCh38, 1-based): chr13:32,332,617, G>A. VCF-style: chr13-32332617-G-A. GRCh37 (hg19) VCF-style: chr13-32906754-G-A.
Other names: short protein forms S380N.
Identifiers: ClinVar variation 1400042 (VCV001400042.9), dbSNP rs780798665, ClinGen allele CA387761785.
Genomic context (GRCh38, chr13:32,332,617, plus strand): 5'-CAAATGATACTGATCCATTAGATTCAAATGTAGCAAATCAGAAGCCCTTTGAGAGTGGAA[G>A]TGACAAAATCTCCAAGGAAGTTGTACCGTCTTTGGCCTGTGAATGGTCTCAACTAACCCT-3'
Protein context (NP_000050.3, residues 370-390): VANQKPFESG[Ser380Asn]DKISKEVVPS

ClinVar aggregate classification (germline): Conflicting classifications of pathogenicity. Review status: criteria provided, conflicting classifications (1 of 4 stars). 2 submissions from 2 submitters: Uncertain significance (1); Likely benign (1). Last evaluated 2025-05-11.

Conditions:
Hereditary breast ovarian cancer syndrome. Also called: Hereditary breast and ovarian cancer; Hereditary breast and ovarian cancer syndrome; Breast and ovarian cancer; BRCA1- and BRCA2-Associated Hereditary Breast and Ovarian Cancer; Hereditary breast and ovarian cancer syndrome (HBOC); Hereditary breast and/or ovarian cancer syndrome. Identifiers: Orphanet 145, MedGen C0677776, MeSH D061325, MONDO:0003582. Disease mechanism: loss of function.
Hereditary cancer-predisposing syndrome. Also called: Hereditary Cancer Syndrome; Hereditary neoplastic syndrome; Tumor predisposition; Neoplastic Syndromes, Hereditary. Identifiers: Orphanet 140162, MedGen C0027672, MeSH D009386, MONDO:0015356.

Submissions (2):

Labcorp Genetics (formerly Invitae), Labcorp
Classification: Uncertain significance for Hereditary breast ovarian cancer syndrome. Last evaluated: 2025-05-11. Review status: criteria provided, single submitter. Criteria: Invitae Variant Classification Sherloc (09022015). Collection method: clinical testing. Allele origin: germline.
Comment: This sequence change replaces serine, which is neutral and polar, with asparagine, which is neutral and polar, at codon 380 of the BRCA2 protein (p.Ser380Asn). This variant is not present in population databases (gnomAD no frequency). This variant has not been reported in the literature in individuals affected with BRCA2-related conditions. ClinVar contains an entry for this variant (Variation ID: 1400042). Invitae Evidence Modeling of protein sequence and biophysical properties (such as structural, functional, and spatial information, amino acid conservation, physicochemical variation, residue mobility, and thermodynamic stability) indicates that this missense variant is not expected to disrupt BRCA2 protein function with a negative predictive value of 95%. In summary, the available evidence is currently insufficient to determine the role of this variant in disease. Therefore, it has been classified as a Variant of Uncertain Significance.

University of Washington Department of Laboratory Medicine, University of Washington
Classification: Likely benign for Hereditary cancer-predisposing syndrome. Last evaluated: 2023-03-23. Review status: criteria provided, single submitter. Criteria: Dines et al. (Genet Med. 2020). Collection method: curation. Allele origin: germline.
Comment: Missense variant in a coldspot region where missense variants are very unlikely to be pathogenic (PMID:31911673).

BRCA2 exon 10 coldspot. Reclassification based on statistical prior probability.